The following is an entry in ClinVar:

NM_001048174.2(MUTYH):c.1377C>T (p.Ser459=)

Gene: MUTYH (mutY DNA glycosylase; minus strand). Cytogenetic location: 1p34.1.
Variant type: single nucleotide variant.
Coding change: c.1377C>T on transcript NM_001048174.2 (MANE Select); coding-DNA position 1377, C replaced by T.
Protein change: p.Ser459=; no amino-acid change (serine 459 retained).
Molecular consequence: synonymous variant. On other transcripts: non-coding transcript variant (2).
Genome position (GRCh38, 1-based): chr1:45,331,197, G>A on the plus strand (C>T on the coding strand, the complement: MUTYH is on the minus strand). VCF-style: chr1-45331197-G-A. GRCh37 (hg19) VCF-style: chr1-45796869-G-A.
Other names: c.1377C>T, p.Ser459= (NM_001048171.2, NM_001048173.2, NM_001293195.2); c.1380C>T, p.Ser460= (NM_001048172.2); c.1461C>T, p.Ser487= (NM_001128425.2); c.1422C>T, p.Ser474= (NM_001293190.2); c.1410C>T, p.Ser470= (NM_001293191.2); c.1101C>T, p.Ser367= (NM_001293192.2, NM_001293196.2); c.1032C>T, p.Ser344= (NM_001350650.2, NM_001350651.2); c.1452C>T, p.Ser484= (NM_012222.3).
Identifiers: ClinVar variation 229982 (VCV000229982.19), dbSNP rs876658316, ClinGen allele CA10577700.
Genomic context (GRCh38, chr1:45,331,197, plus strand): 5'-TGTAGGAAACACAAGGAAGTACAACAAAGACAACAAAGGTAGTGCCTTTTTCATGGCGGT[G>A]GAAACAGCTGCGGTGTGAAATTCCTCCTGCGTCAGCCAGCGAGCACCTGGTGGTACGGTG-3'
Protein context (NP_001041639.1, residues 449-469): TQEEFHTAAV[Ser459=]TAMKKVFRVY

ClinVar aggregate classification (germline): Conflicting classifications of pathogenicity. Review status: criteria provided, conflicting classifications (1 of 4 stars). 6 submissions from 6 submitters: Uncertain significance (1); Likely benign (5). Last evaluated 2025-10-11.

Conditions:
Hereditary cancer-predisposing syndrome. Also called: Tumor predisposition; Hereditary Cancer Syndrome; Neoplastic Syndromes, Hereditary; Hereditary neoplastic syndrome. Identifiers: Orphanet 140162, MedGen C0027672, MeSH D009386, MONDO:0015356.
Familial adenomatous polyposis 2. Also called: MYH-associated polyposis; FAP type 2; ADENOMAS, MULTIPLE COLORECTAL, AUTOSOMAL RECESSIVE; MUTYH Polyposis; MUTYH-associated polyposis; MUTYH-related attenuated familial adenomatous polyposis. Identifiers: Orphanet 220460, Orphanet 247798, MedGen C3272841, MONDO:0012041, OMIM 608456.

Allele frequency attached by ClinVar (database versions not stated): gnomAD exomes below 0.00001.
gnomAD v4.1: 3 of 1,614,212 alleles (0.00019%); highest among the groups gnomAD compares: Non-Finnish European, 0.00025%; no homozygotes.

Submissions (6):

Labcorp Genetics (formerly Invitae), Labcorp
Classification: Likely benign for Familial adenomatous polyposis 2. Last evaluated: 2025-10-11. Review status: criteria provided, single submitter. Criteria: Invitae Variant Classification Sherloc (09022015). Collection method: clinical testing. Allele origin: germline.

Women's Health and Genetics/Laboratory Corporation of America, LabCorp
Classification: Likely benign. Last evaluated: 2025-04-19. Review status: criteria provided, single submitter. Criteria: LabCorp Variant Classification Summary - May 2015. Collection method: clinical testing. Allele origin: germline.

Quest Diagnostics Nichols Institute San Juan Capistrano
Classification: Uncertain significance. Last evaluated: 2024-06-20. Review status: criteria provided, single submitter. Criteria: Quest Diagnostics criteria. Collection method: clinical testing. Allele origin: unknown.
Comment: The MUTYH c.1461C>T (p.Ser487=) synonymous variant has not been reported in individuals with MUTYH-related conditions in the published literature. It also has not been reported in large, multi-ethnic general populations (Genome Aggregation Database). Analysis of this variant using software algorithms for the prediction of the effect of nucleotide changes on splicing yielded predictions that this variant does not affect MUTYH mRNA splicing. Based on the available information, we are unable to determine the clinical significance of this variant.

All of Us Research Program, National Institutes of Health
Classification: Likely benign for Familial adenomatous polyposis 2. Last evaluated: 2022-11-30. Review status: criteria provided, single submitter. Criteria: ACMG Guidelines, 2015. Collection method: clinical testing. Allele origin: germline. Inheritance: Autosomal recessive inheritance. Observed: 1 variant allele, 1 heterozygote.
Comment: This study involves interpretation of variants in research participants for the purpose of population health screening. Participant phenotype was not available at the time of variant classification. Additional details can be found in publication PMID: 35346344, PMCID: PMC8962531

Color Diagnostics, LLC DBA Color Health
Classification: Likely benign for Hereditary cancer-predisposing syndrome. Last evaluated: 2019-03-28. Review status: criteria provided, single submitter. Criteria: ACMG Guidelines, 2015. Collection method: clinical testing. Allele origin: germline.

Ambry Genetics
Classification: Likely benign for Hereditary cancer-predisposing syndrome. Last evaluated: 2015-01-08. Review status: criteria provided, single submitter. Criteria: Ambry Variant Classification Scheme 2023. Collection method: clinical testing. Allele origin: germline.